The following is an entry in ClinVar:

ClinVar aggregate classification (germline): Uncertain significance (1 of 4 stars; one submission).

Conditions:
Inborn genetic diseases. Identifiers: MedGen C0950123, MeSH D030342.

Submission:

Ambry Genetics
Classification: Uncertain significance for Inborn genetic diseases. Last evaluated: 2026-08-02. Review status: criteria provided, single submitter. Criteria: Ambry Variant Classification Scheme 2023. Collection method: clinical testing. Allele origin: germline.
Comment: The p.T665P variant (also known as c.1993A>C), located in coding exon 22 of the FANCA gene, results from an A to C substitution at nucleotide position 1993. The threonine at codon 665 is replaced by proline, an amino acid with highly similar properties. This amino acid position is conserved. In addition, the in silico prediction for this alteration is inconclusive. Based on the available evidence, the clinical significance of this variant remains unclear.

NM_000135.4(FANCA):c.1993A>C (p.Thr665Pro)

Gene: FANCA (FA complementation group A; minus strand). Cytogenetic location: 16q24.3.
Variant type: single nucleotide variant.
Coding change: c.1993A>C on transcript NM_000135.4 (MANE Select); coding-DNA position 1993, A replaced by C.
Protein change: p.Thr665Pro; replaces threonine 665 with proline.
Molecular consequence: missense variant.
Genome position (GRCh38, 1-based): chr16:89,773,292, T>G on the plus strand (A>C on the coding strand, the complement: FANCA is on the minus strand). VCF-style: chr16-89773292-T-G. GRCh37 (hg19) VCF-style: chr16-89839700-T-G.
Other names: c.1993A>C, p.Thr665Pro (NM_001286167.3); short protein forms T665P.
Identifiers: ClinVar variation 5036390 (VCV005036390.1).
Genomic context (GRCh38, chr16:89,773,292, plus strand): 5'-CACACATGAGACACAGCATGAGCTCCCATCCATCCTCACCATCACGCTGGCTGGGGTCTG[T>G]CATGGAGGCTCTCAGCTCTCCCAGTGCAGCTGTGAGCTGTCCCAGGGGCTCCTCAGCAGA-3'
Protein context (NP_000126.2, residues 655-675): AALGELRASM[Thr665Pro]DPSQRDVISA